The following is an entry in ClinVar:

NM_015386.3(COG4):c.1937_1938del (p.Asp645_Tyr646insTer)

Gene: COG4 (component of oligomeric golgi complex 4; minus strand). Cytogenetic location: 16q22.1.
Variant type: Deletion.
Coding change: c.1937_1938del on transcript NM_015386.3 (MANE Select); coding-DNA positions 1937 to 1938, 2 bases deleted (AT; older notation c.1937_1938delAT).
Protein change: p.Asp645_Tyr646insTer.
Molecular consequence: nonsense. On other transcripts: non-coding transcript variant (1).
Genome position (GRCh38, 1-based): chr16:70,482,158-70,482,159, AT deleted on the plus strand (AT on the coding strand, the reverse complement: COG4 is on the minus strand); deleting any 2 consecutive bases within chr16:70,482,158-70,482,160 gives the same sequence; the c. name uses the placement nearest the transcript's 3' end. VCF-style (leftmost placement, unchanged base first): chr16-70482157-CAT-C. GRCh37 (hg19) VCF-style: chr16-70516060-CAT-C.
Other names: c.1862_1863del, p.Asp620_Tyr621insTer (NM_001195139.2); c.1511_1512del, p.Asp503_Tyr504insTer (NM_001365426.1).
Identifiers: ClinVar variation 4886547 (VCV004886547.2).
Genomic context (GRCh38, chr16:70,482,157, plus strand): 5'-ACTCTGCCATTTGCTGCTCCAGGTTAAGGATGAACTGTTGTACCCAAGGGTCGTTGGCCT[CAT>C]AGTCATTGAATTCTTCCTGTTGTCAGGAAGCAGGGCTGGTCACCATGGGCCTCATAAGAA-3'

ClinVar aggregate classification (germline): Likely pathogenic (1 of 4 stars; one submission).

Submission:

Dasa
Classification: Likely pathogenic. Last evaluated: 2025-08-29. Review status: criteria provided, single submitter. Criteria: DASA Assertion Criteria. Collection method: clinical testing. Allele origin: germline.
Comment: NM_015386.3(COG4):c.1937_1938del (p.Tyr646*) is a nonsense variant in COG4 predicted to introduce a premature termination codon and is predicted to result in an absent or altered protein product. Loss of function is an established disease mechanism for COG4-associated disorders. Also, this variant is absent from population databases. Based on the currently available evidence, this variant is classified as likely pathogenic.